The following is an entry in ClinVar:

NM_182643.3(DLC1):c.1905C>G (p.Asp635Glu)

Gene: DLC1 (DLC1 Rho GTPase activating protein; minus strand). Cytogenetic location: 8p22.
Variant type: single nucleotide variant.
Coding change: c.1905C>G on transcript NM_182643.3 (MANE Select); coding-DNA position 1905, C replaced by G.
Protein change: p.Asp635Glu; replaces aspartic acid 635 with glutamic acid.
Molecular consequence: missense variant.
Genome position (GRCh38, 1-based): chr8:13,100,432, G>C on the plus strand (C>G on the coding strand, the complement: DLC1 is on the minus strand). VCF-style: chr8-13100432-G-C. GRCh37 (hg19) VCF-style: chr8-12957941-G-C.
Other names: c.1905C>G (NM_182643.2); c.372C>G, p.Asp124Glu (NM_001164271.2, NM_001348082.2, NM_001348083.1 and 6 more transcripts); c.696C>G, p.Asp232Glu (NM_001316668.2, NM_001413129.1); c.1905C>G, p.Asp635Glu (NM_001348081.2, NM_001413124.1); c.687C>G, p.Asp229Glu (NM_001413130.1); c.345C>G, p.Asp115Glu (NM_001413131.1, NM_001413137.1); c.831C>G, p.Asp277Glu (NM_001413132.1); c.594C>G, p.Asp198Glu (NM_001413135.1, NM_001413136.1, NM_001413139.1 and 1 more transcripts); and 1 more; short protein forms D124E, D243E, D198E, D232E, D277E, D115E, D229E, D635E.
Identifiers: ClinVar variation 2081214 (VCV002081214.7), dbSNP rs780367229, ClinGen allele CA4638766.

ClinVar aggregate classification (germline): Uncertain significance. Review status: criteria provided, multiple submitters, no conflicts (2 of 4 stars). 3 submissions from 3 submitters: Uncertain significance (2). 1 of the submissions does not count toward it. Last evaluated 2025-07-13.

Conditions:
DLC1-related disorder. Also called: DLC1-related condition.

Allele frequency attached by ClinVar (database versions not stated): TOPMed 0.00003; ExAC 0.00004; gnomAD exomes 0.00004.
gnomAD v4.1: 25 of 1,614,076 alleles (0.0015%); highest among the groups gnomAD compares: Admixed American, 0.037%; no homozygotes.

Submissions (3):

Labcorp Genetics (formerly Invitae), Labcorp
Classification: Uncertain significance. Last evaluated: 2025-07-13. Review status: criteria provided, single submitter. Criteria: Invitae Variant Classification Sherloc (09022015). Collection method: clinical testing. Allele origin: germline.
Comment: This sequence change replaces aspartic acid, which is acidic and polar, with glutamic acid, which is acidic and polar, at codon 635 of the DLC1 protein (p.Asp635Glu). This variant is present in population databases (rs780367229, gnomAD 0.07%), and has an allele count higher than expected for a pathogenic variant. This variant has not been reported in the literature in individuals affected with DLC1-related conditions. ClinVar contains an entry for this variant (Variation ID: 2081214). An algorithm developed to predict the effect of missense changes on protein structure and function (PolyPhen-2) suggests that this variant is likely to be tolerated. In summary, the available evidence is currently insufficient to determine the role of this variant in disease. Therefore, it has been classified as a Variant of Uncertain Significance.

Ambry Genetics
Classification: Uncertain significance. Last evaluated: 2025-04-17. Review status: criteria provided, single submitter. Criteria: Ambry Variant Classification Scheme 2023. Collection method: clinical testing. Allele origin: germline.

PreventionGenetics, part of Exact Sciences
Classification: Uncertain significance for DLC1-related condition. Last evaluated: 2023-11-08. Review status: no assertion criteria provided. Collection method: clinical testing. Allele origin: germline. Not counted in ClinVar's aggregate classification.
Comment: The DLC1 c.1905C>G variant is predicted to result in the amino acid substitution p.Asp635Glu. To our knowledge, this variant has not been reported in the literature. This variant is reported in 0.069% of alleles in individuals of Latino descent in gnomAD. At this time, the clinical significance of this variant is uncertain due to the absence of conclusive functional and genetic evidence.